The following is an entry in ClinVar:

NM_144701.3(IL23R):c.536T>C (p.Ile179Thr)

Gene: IL23R (interleukin 23 receptor; plus strand). Cytogenetic location: 1p31.3.
Variant type: single nucleotide variant.
Coding change: c.536T>C on transcript NM_144701.3 (MANE Select); coding-DNA position 536, T replaced by C.
Protein change: p.Ile179Thr; replaces isoleucine 179 with threonine.
Molecular consequence: missense variant.
Genome position (GRCh38, 1-based): chr1:67,200,781, T>C. VCF-style: chr1-67200781-T-C. GRCh37 (hg19) VCF-style: chr1-67666464-T-C.
Other names: short protein forms I179T.
Identifiers: ClinVar variation 4766615 (VCV004766615.1).
Genomic context (GRCh38, chr1:67,200,781, plus strand): 5'-TTTTTTTTGTTTTAAGTTTAGAGACAGAAGAAGAGCAACAGTATCTCACCTCAAGCTATA[T>C]TAACATCTCCACTGATTCATTACAAGGTGGCAAGAAGTACTTGGTTTGGGTCCAAGCAGC-3'
Protein context (NP_653302.2, residues 169-189): EEQQYLTSSY[Ile179Thr]NISTDSLQGG

ClinVar aggregate classification (germline): Uncertain significance (1 of 4 stars; one submission).

gnomAD v4.1: 15 of 1,614,100 alleles (0.00093%); highest among the groups gnomAD compares: South Asian, 0.015%; no homozygotes.

Submission:

Labcorp Genetics (formerly Invitae), Labcorp
Classification: Uncertain significance. Last evaluated: 2025-07-30. Review status: criteria provided, single submitter. Criteria: Invitae Variant Classification Sherloc (09022015). Collection method: clinical testing. Allele origin: germline.
Comment: This sequence change replaces isoleucine, which is neutral and non-polar, with threonine, which is neutral and polar, at codon 179 of the IL23R protein (p.Ile179Thr). This variant is present in population databases (rs562842287, gnomAD 0.01%). This variant has not been reported in the literature in individuals affected with IL23R-related conditions. An algorithm developed to predict the effect of missense changes on protein structure and function (PolyPhen-2) suggests that this variant is likely to be tolerated. In summary, the available evidence is currently insufficient to determine the role of this variant in disease. Therefore, it has been classified as a Variant of Uncertain Significance.